The following is an entry in ClinVar:

NM_000988.5(RPL27):c.182A>T (p.Lys61Met)

Gene: RPL27 (ribosomal protein L27; plus strand). Cytogenetic location: 17q21.31.
Variant type: single nucleotide variant.
Coding change: c.182A>T on transcript NM_000988.5 (MANE Select); coding-DNA position 182, A replaced by T.
Protein change: p.Lys61Met; replaces lysine 61 with methionine.
Molecular consequence: missense variant.
Genome position (GRCh38, 1-based): chr17:43,000,033, A>T. VCF-style: chr17-43000033-A-T. GRCh37 (hg19) VCF-style: chr17-41152050-A-T.
Other names: c.182A>T, p.Lys61Met (NM_001349921.2, NM_001349922.2); short protein forms K61M.
Identifiers: ClinVar variation 4807996 (VCV004807996.1).
Genomic context (GRCh38, chr17:43,000,033, plus strand): 5'-CTCTGGTGGCTGGAATTGACCGCTACCCCCGCAAAGTGACAGCTGCCATGGGCAAGAAGA[A>T]GATCGCCAAGAGATCAAAGATAAAATCTTTTGTGAAAGTGTATAACTACAATCACCTAAT-3'
Protein context (NP_000979.1, residues 51-71): RKVTAAMGKK[Lys61Met]IAKRSKIKSF

ClinVar aggregate classification (germline): Uncertain significance (1 of 4 stars; one submission).

Submission:

Labcorp Genetics (formerly Invitae), Labcorp
Classification: Uncertain significance. Last evaluated: 2025-03-12. Review status: criteria provided, single submitter. Criteria: Invitae Variant Classification Sherloc (09022015). Collection method: clinical testing. Allele origin: germline.
Comment: This sequence change replaces lysine, which is basic and polar, with methionine, which is neutral and non-polar, at codon 61 of the RPL27 protein (p.Lys61Met). This variant is present in population databases (rs770892999, gnomAD 0.006%). This variant has not been reported in the literature in individuals affected with RPL27-related conditions. An algorithm developed to predict the effect of missense changes on protein structure and function (PolyPhen-2) suggests that this variant is likely to be disruptive. In summary, the available evidence is currently insufficient to determine the role of this variant in disease. Therefore, it has been classified as a Variant of Uncertain Significance.